The following is an entry in ClinVar:

NM_031433.4(MFRP):c.428C>G (p.Thr143Ser)

Genes: C1QTNF5 (C1q and TNF related 5; minus strand), MFRP (membrane frizzled-related protein; minus strand). Cytogenetic location: 11q23.3.
Variant type: single nucleotide variant.
Coding change: c.428C>G on transcript NM_031433.4 (MANE Select); coding-DNA position 428, C replaced by G.
Protein change: p.Thr143Ser; replaces threonine 143 with serine.
Molecular consequence: missense variant. On other transcripts: 5 prime UTR variant (1).
Genome position (GRCh38, 1-based): chr11:119,345,633, G>C on the plus strand (C>G on the coding strand, the complement: MFRP is on the minus strand). VCF-style: chr11-119345633-G-C. GRCh37 (hg19) VCF-style: chr11-119216343-G-C.
Other names: c.-2209C>G (NM_015645.5); short protein forms T143S.
Identifiers: ClinVar variation 834278 (VCV000834278.10), dbSNP rs149712249, ClinGen allele CA6320552.

ClinVar aggregate classification (germline): Conflicting classifications of pathogenicity. Review status: criteria provided, conflicting classifications (1 of 4 stars). 3 submissions from 3 submitters: Uncertain significance (2); Likely benign (1). Last evaluated 2025-01-06.

Conditions:
Inborn genetic diseases. Identifiers: MedGen C0950123, MeSH D030342.
Isolated microphthalmia 5. Also called: Posterior Microphthalmia with Retinitis Pigmentosa, Foveoschisis, and Optic Disc Drusen. Identifiers: Orphanet 251279, MedGen C1970236, MONDO:0012605, OMIM 611040.

Allele frequency attached by ClinVar (database versions not stated): TOPMed 0.00013; gnomAD exomes 0.00016 and 0.00019; gnomAD 0.00016 and 0.00017; ExAC 0.00014; ESP Exome Variant Server 0.00015.
gnomAD v4.1: 310 of 1,613,446 alleles (0.019%); highest among the groups gnomAD compares: Non-Finnish European, 0.02%; no homozygotes.

Submissions (3):

Labcorp Genetics (formerly Invitae), Labcorp
Classification: Uncertain significance for Isolated microphthalmia 5. Last evaluated: 2025-01-06. Review status: criteria provided, single submitter. Criteria: Invitae Variant Classification Sherloc (09022015). Collection method: clinical testing. Allele origin: germline.
Comment: This sequence change replaces threonine, which is neutral and polar, with serine, which is neutral and polar, at codon 143 of the MFRP protein (p.Thr143Ser). This variant is present in population databases (rs149712249, gnomAD 0.2%). This variant has not been reported in the literature in individuals affected with MFRP-related conditions. ClinVar contains an entry for this variant (Variation ID: 834278). An algorithm developed to predict the effect of missense changes on protein structure and function outputs the following: PolyPhen-2: "Benign". The serine amino acid residue is found in multiple mammalian species, which suggests that this missense change does not adversely affect protein function. In summary, the available evidence is currently insufficient to determine the role of this variant in disease. Therefore, it has been classified as a Variant of Uncertain Significance.

Ambry Genetics
Classification: Uncertain significance for Inborn genetic diseases. Last evaluated: 2024-10-04. Review status: criteria provided, single submitter. Criteria: Ambry Variant Classification Scheme 2023. Collection method: clinical testing. Allele origin: germline.

Blueprint Genetics
Classification: Likely benign. Last evaluated: 2023-06-12. Review status: criteria provided, single submitter. Criteria: ACMG Guidelines, 2015. Collection method: clinical testing. Allele origin: germline.